The following is an entry in ClinVar:

ClinVar aggregate classification (germline): Uncertain significance. Review status: criteria provided, multiple submitters, no conflicts (2 of 4 stars). 2 submissions from 2 submitters: Uncertain significance (2). Last evaluated 2024-09-26.

Conditions:
Inborn genetic diseases. Identifiers: MedGen C0950123, MeSH D030342.
Hyperekplexia 3 (HKPX3). Also called: HYPEREKPLEXIA 3, AUTOSOMAL RECESSIVE; HYPEREKPLEXIA 3, AUTOSOMAL DOMINANT. Identifiers: Orphanet 3197, MedGen C3553288, MONDO:0013827, OMIM 614618.

Allele frequency attached by ClinVar (database versions not stated): gnomAD exomes below 0.00001 and 0.00001; ExAC 0.00001; gnomAD 0.00001; TOPMed 0.00001.
gnomAD v4.1: 6 of 1,614,032 alleles (0.00037%); highest among the groups gnomAD compares: Admixed American, 0.01%; no homozygotes.

Submissions (2):

Ambry Genetics
Classification: Uncertain significance for Inborn genetic diseases. Last evaluated: 2024-09-26. Review status: criteria provided, single submitter. Criteria: Ambry Variant Classification Scheme 2023. Collection method: clinical testing. Allele origin: germline.

Labcorp Genetics (formerly Invitae), Labcorp
Classification: Uncertain significance for Hyperekplexia 3. Last evaluated: 2024-02-26. Review status: criteria provided, single submitter. Criteria: Invitae Variant Classification Sherloc (09022015). Collection method: clinical testing. Allele origin: germline.
Comment: This sequence change replaces tyrosine, which is neutral and polar, with histidine, which is basic and polar, at codon 710 of the SLC6A5 protein (p.Tyr710His). This variant is present in population databases (rs757209577, gnomAD 0.009%). This variant has not been reported in the literature in individuals affected with SLC6A5-related conditions. ClinVar contains an entry for this variant (Variation ID: 1516373). Advanced modeling of protein sequence and biophysical properties (such as structural, functional, and spatial information, amino acid conservation, physicochemical variation, residue mobility, and thermodynamic stability) performed at Invitae indicates that this missense variant is expected to disrupt SLC6A5 protein function with a positive predictive value of 95%. In summary, the available evidence is currently insufficient to determine the role of this variant in disease. Therefore, it has been classified as a Variant of Uncertain Significance.

NM_004211.5(SLC6A5):c.2128T>C (p.Tyr710His)

Gene: SLC6A5 (solute carrier family 6 member 5; plus strand). Cytogenetic location: 11p15.1.
Variant type: single nucleotide variant.
Coding change: c.2128T>C on transcript NM_004211.5 (MANE Select); coding-DNA position 2128, T replaced by C.
Protein change: p.Tyr710His; replaces tyrosine 710 with histidine.
Molecular consequence: missense variant.
Genome position (GRCh38, 1-based): chr11:20,652,346, T>C. VCF-style: chr11-20652346-T-C. GRCh37 (hg19) VCF-style: chr11-20673892-T-C.
Other names: c.2128T>C (NM_004211.3); c.1426T>C, p.Tyr476His (NM_001318369.2); short protein forms Y476H, Y710H.
Identifiers: ClinVar variation 1516373 (VCV001516373.8), dbSNP rs757209577, ClinGen allele CA5921702.